The following is an entry in ClinVar:

ClinVar aggregate classification (germline): Uncertain significance (1 of 4 stars; one submission).

Submission:

Ambry Genetics
Classification: Uncertain significance. Last evaluated: 2024-07-03. Review status: criteria provided, single submitter. Criteria: Ambry Variant Classification Scheme 2023. Collection method: clinical testing. Allele origin: germline.
Comment: The p.L420P variant (also known as c.1259T>C), located in coding exon 7 of the GALNT12 gene, results from a T to C substitution at nucleotide position 1259. The leucine at codon 420 is replaced by proline, an amino acid with similar properties. This amino acid position is conserved. In addition, this alteration is predicted to be deleterious by in silico analysis. Based on the available evidence, the clinical significance of this variant remains unclear.

NM_024642.5(GALNT12):c.1259T>C (p.Leu420Pro)

Gene: GALNT12 (polypeptide N-acetylgalactosaminyltransferase 12; plus strand). Cytogenetic location: 9q22.33.
Variant type: single nucleotide variant.
Coding change: c.1259T>C on transcript NM_024642.5 (MANE Select); coding-DNA position 1259, T replaced by C.
Protein change: p.Leu420Pro; replaces leucine 420 with proline.
Molecular consequence: missense variant.
Genome position (GRCh38, 1-based): chr9:98,840,048, T>C. VCF-style: chr9-98840048-T-C. GRCh37 (hg19) VCF-style: chr9-101602330-T-C.
Other names: short protein forms L420P.
Identifiers: ClinVar variation 3518476 (VCV003518476.1).